The following is an entry in ClinVar:

ClinVar aggregate classification (germline): Benign/Likely benign. Review status: criteria provided, multiple submitters, no conflicts (2 of 4 stars). 6 submissions from 6 submitters: Benign (4); Likely benign (1). 1 of the submissions does not count toward it. Last evaluated 2026-01-26.

Conditions:
Congenital stationary night blindness 1E. Also called: Night blindness, congenital stationary (complete), 1E, autosomal recessive. Identifiers: Orphanet 215, MedGen C3281215, MONDO:0013807, OMIM 614565.

Allele frequency attached by ClinVar (database versions not stated): gnomAD 0.00108; TOPMed 0.00121; 1000 Genomes Project 30x 0.00312; 1000 Genomes Project 0.00319.
gnomAD v4.1: 797 of 1,614,178 alleles (0.049%); highest among the groups gnomAD compares: East Asian, 1.6%; 11 homozygotes.

Submissions (6):

Labcorp Genetics (formerly Invitae), Labcorp
Classification: Benign. Last evaluated: 2026-01-26. Review status: criteria provided, single submitter. Criteria: Invitae Variant Classification Sherloc (09022015). Collection method: clinical testing. Allele origin: germline.

Blueprint Genetics
Classification: Likely benign. Last evaluated: 2024-11-15. Review status: criteria provided, single submitter. Criteria: ACMG Guidelines, 2015. Collection method: clinical testing. Allele origin: germline.

Illumina Laboratory Services, Illumina
Classification: Benign for Congenital stationary night blindness 1E. Last evaluated: 2018-01-13. Review status: criteria provided, single submitter. Criteria: ICSL Variant Classification Criteria 13 December 2019. Collection method: clinical testing. Allele origin: germline.
Comment: This variant was observed in the ICSL laboratory as part of a predisposition screen in an ostensibly healthy population. It had not been previously curated by ICSL or reported in the Human Gene Mutation Database (HGMD: prior to June 1st, 2018), and was therefore a candidate for classification through an automated scoring system. Utilizing variant allele frequency, disease prevalence and penetrance estimates, and inheritance mode, an automated score was calculated to assess if this variant is too frequent to cause the disease. Based on the score and internal cut-off values, a variant classified as benign is not then subjected to further curation. The score for this variant resulted in a classification of benign for this disease.

Clinical Genetics DNA and cytogenetics Diagnostics Lab, Erasmus MC, Erasmus Medical Center
Classification: Benign for Congenital stationary night blindness 1E. Last evaluated: 2017-10-12. Review status: criteria provided, single submitter. Criteria: ACGS Guidelines, 2013. Collection method: clinical testing. Allele origin: germline. Affected: yes. Study: VKGL Data-share Consensus.

Breakthrough Genomics
Classification: Benign. Review status: criteria provided, single submitter. Criteria: ACMG Guidelines, 2015. Collection method: not provided. Allele origin: germline. Inheritance: Autosomal recessive inheritance. Affected: yes.

Clinical Genetics, Academic Medical Center
Classification: Benign. Review status: no assertion criteria provided. Collection method: clinical testing. Allele origin: germline. Affected: yes. Study: VKGL Data-share Consensus. Not counted in ClinVar's aggregate classification.

NM_001004334.4(GPR179):c.6824T>C (p.Leu2275Pro)

Gene: GPR179 (G protein-coupled receptor 179; minus strand). Cytogenetic location: 17q12.
Variant type: single nucleotide variant.
Coding change: c.6824T>C on transcript NM_001004334.4 (MANE Select); coding-DNA position 6824, T replaced by C.
Protein change: p.Leu2275Pro; replaces leucine 2275 with proline.
Molecular consequence: missense variant.
Genome position (GRCh38, 1-based): chr17:38,326,745, A>G on the plus strand (T>C on the coding strand, the complement: GPR179 is on the minus strand). VCF-style: chr17-38326745-A-G. GRCh37 (hg19) VCF-style: chr17-36482628-A-G.
Other names: short protein forms L2275P.
Identifiers: ClinVar variation 322966 (VCV000322966.17), dbSNP rs148601715, ClinGen allele CA10645537.